The following is an entry in ClinVar:

NM_014014.5(SNRNP200):c.423T>C (p.Ala141=)

Gene: SNRNP200 (small nuclear ribonucleoprotein U5 subunit 200; minus strand). Cytogenetic location: 2q11.2.
Variant type: single nucleotide variant.
Coding change: c.423T>C on transcript NM_014014.5 (MANE Select); coding-DNA position 423, T replaced by C.
Protein change: p.Ala141=; no amino-acid change (alanine 141 retained).
Molecular consequence: synonymous variant.
Genome position (GRCh38, 1-based): chr2:96,301,675, A>G on the plus strand (T>C on the coding strand, the complement: SNRNP200 is on the minus strand). VCF-style: chr2-96301675-A-G. GRCh37 (hg19) VCF-style: chr2-96967413-A-G.
Identifiers: ClinVar variation 894976 (VCV000894976.14), dbSNP rs140702204, ClinGen allele CA1779186.

ClinVar aggregate classification (germline): Conflicting classifications of pathogenicity. Review status: criteria provided, conflicting classifications (1 of 4 stars). 4 submissions from 4 submitters: Uncertain significance (1); Benign (1); Likely benign (2). Last evaluated 2025-11-10.

Conditions:
SNRNP200-related disorder. Also called: SNRNP200-related condition.
Retinitis pigmentosa (RP). Identifiers: Orphanet 791, MedGen C0035334, MeSH D012174, MONDO:0019200, OMIM 268000. Inheritance: Autosomal dominant, autosomal recessive and X linked inheritance.

Allele frequency attached by ClinVar (database versions not stated): TOPMed 0.00008; ExAC 0.00010; gnomAD exomes 0.00010 and 0.00015; gnomAD 0.00011; ESP Exome Variant Server 0.00015.
gnomAD v4.1: 161 of 1,614,082 alleles (0.01%); highest among the groups gnomAD compares: Non-Finnish European, 0.0081%; 1 homozygote.

Submissions (4):

Labcorp Genetics (formerly Invitae), Labcorp
Classification: Benign. Last evaluated: 2025-11-10. Review status: criteria provided, single submitter. Criteria: Invitae Variant Classification Sherloc (09022015). Collection method: clinical testing. Allele origin: germline.

PreventionGenetics, part of Exact Sciences
Classification: Likely benign for SNRNP200-related condition. Last evaluated: 2024-12-03. Review status: criteria provided, single submitter. Criteria: ACMG Guidelines, 2015. Collection method: clinical testing. Allele origin: germline.
Comment: This variant is classified as likely benign based on ACMG/AMP sequence variant interpretation guidelines (Richards et al. 2015 PMID: 25741868, with internal and published modifications).

Blueprint Genetics
Classification: Likely benign. Last evaluated: 2024-03-22. Review status: criteria provided, single submitter. Criteria: ACMG Guidelines, 2015. Collection method: clinical testing. Allele origin: germline.

Illumina Laboratory Services, Illumina
Classification: Uncertain significance for Retinitis pigmentosa. Last evaluated: 2018-01-12. Review status: criteria provided, single submitter. Criteria: ICSL Variant Classification Criteria 13 December 2019. Collection method: clinical testing. Allele origin: germline.